The following is an entry in ClinVar:

NM_000465.4(BARD1):c.425C>A (p.Ser142Ter)

Gene: BARD1 (BRCA1 associated RING domain 1; minus strand). Cytogenetic location: 2q35.
Variant type: single nucleotide variant.
Coding change: c.425C>A on transcript NM_000465.4 (MANE Select); coding-DNA position 425, C replaced by A.
Protein change: p.Ser142Ter; replaces serine 142 with a stop codon.
Molecular consequence: nonsense. On other transcripts: non-coding transcript variant (2), intron variant (3).
Genome position (GRCh38, 1-based): chr2:214,781,449, G>T on the plus strand (C>A on the coding strand, the complement: BARD1 is on the minus strand). VCF-style: chr2-214781449-G-T. GRCh37 (hg19) VCF-style: chr2-215646173-G-T.
Other names: c.368C>A, p.Ser123Ter (NM_001282543.2); c.158+27963C>A (NM_001282548.2); c.215+15612C>A (NM_001282545.2); c.364+10848C>A (NM_001282549.2); short protein forms S123*, S142*.
Identifiers: ClinVar variation 4722158 (VCV004722158.1).

ClinVar aggregate classification (germline): Pathogenic (1 of 4 stars; one submission).

Conditions:
Familial cancer of breast. Also called: hereditary breast carcinoma; BREAST CANCER, FAMILIAL; Hereditary breast cancer. Identifiers: Orphanet 227535, MedGen C0346153, MONDO:0016419, OMIM 114480. Disease mechanism: loss of function.

Submission:

Labcorp Genetics (formerly Invitae), Labcorp
Classification: Pathogenic for Familial cancer of breast. Last evaluated: 2025-09-03. Review status: criteria provided, single submitter. Criteria: Invitae Variant Classification Sherloc (09022015). Collection method: clinical testing. Allele origin: germline.
Comment: This sequence change creates a premature translational stop signal (p.Ser142*) in the BARD1 gene. It is expected to result in an absent or disrupted protein product. Loss-of-function variants in BARD1 are known to be pathogenic (PMID: 20077502, 21344236). This variant is not present in population databases (gnomAD no frequency). This variant has not been reported in the literature in individuals affected with BARD1-related conditions. For these reasons, this variant has been classified as Pathogenic.

Literature cited by the submitters: PubMed 20077502; PubMed 21344236.